The following is an entry in ClinVar:

NM_000053.4(ATP7B):c.618T>C (p.Phe206=)

Gene: ATP7B (ATPase copper transporting beta; minus strand). Cytogenetic location: 13q14.3.
Variant type: single nucleotide variant.
Coding change: c.618T>C on transcript NM_000053.4 (MANE Select); coding-DNA position 618, T replaced by C.
Protein change: p.Phe206=; no amino-acid change (phenylalanine 206 retained).
Molecular consequence: synonymous variant.
Genome position (GRCh38, 1-based): chr13:51,974,602, A>G on the plus strand (T>C on the coding strand, the complement: ATP7B is on the minus strand). VCF-style: chr13-51974602-A-G. GRCh37 (hg19) VCF-style: chr13-52548738-A-G.
Other names: c.618T>C, p.Phe206= (NM_001005918.3, NM_001243182.2, NM_001330578.2 and 1 more transcripts).
Identifiers: ClinVar variation 733558 (VCV000733558.14), dbSNP rs764353593, ClinGen allele CA6989526.

ClinVar aggregate classification (germline): Likely benign. Review status: criteria provided, multiple submitters, no conflicts (2 of 4 stars). 4 submissions from 4 submitters: Likely benign (3). 1 of the submissions does not count toward it. Last evaluated 2026-01-14.

Conditions:
Wilson disease (WND). Also called: Wilson's disease. Identifiers: Orphanet 905, MedGen C0019202, MONDO:0010200, OMIM 277900. Disease mechanism: loss of function.

Allele frequency attached by ClinVar (database versions not stated): gnomAD 0.00001; gnomAD exomes 0.00002; ExAC 0.00001.

Submissions (4):

Labcorp Genetics (formerly Invitae), Labcorp
Classification: Likely benign for Wilson disease. Last evaluated: 2026-01-14. Review status: criteria provided, single submitter. Criteria: Invitae Variant Classification Sherloc (09022015). Collection method: clinical testing. Allele origin: germline.

All of Us Research Program, National Institutes of Health
Classification: Likely benign for Wilson disease. Last evaluated: 2024-02-05. Review status: criteria provided, single submitter. Criteria: ACMG Guidelines, 2015. Collection method: clinical testing. Allele origin: germline. Inheritance: Autosomal recessive inheritance. Observed: 1 variant allele, 1 heterozygote.
Comment: This study involves interpretation of variants in research participants for the purpose of population health screening. Participant phenotype was not available at the time of variant classification. Additional details can be found in publication PMID: 35346344, PMCID: PMC8962531

Women's Health and Genetics/Laboratory Corporation of America, LabCorp
Classification: Likely benign. Last evaluated: 2022-10-24. Review status: criteria provided, single submitter. Criteria: LabCorp Variant Classification Summary - May 2015. Collection method: clinical testing. Allele origin: germline.

Natera, Inc.
Classification: Likely benign for Wilson disease. Last evaluated: 2020-10-29. Review status: no assertion criteria provided. Collection method: clinical testing. Allele origin: germline. Not counted in ClinVar's aggregate classification.